The following is an entry in ClinVar:

NM_017841.4(SDHAF2):c.*3T>A

Gene: SDHAF2 (succinate dehydrogenase complex assembly factor 2; plus strand). Cytogenetic location: 11q12.2.
Variant type: single nucleotide variant.
Coding change: c.*3T>A on transcript NM_017841.4 (MANE Select); 3 bases downstream of the stop codon, T replaced by A.
Molecular consequence: 3 prime UTR variant.
Genome position (GRCh38, 1-based): chr11:61,446,074, T>A. VCF-style: chr11-61446074-T-A. GRCh37 (hg19) VCF-style: chr11-61213546-T-A.
Identifiers: ClinVar variation 3074203 (VCV003074203.1), dbSNP rs2540133183, ClinGen allele CA2825002024.
Genomic context (GRCh38, chr11:61,446,074, plus strand): 5'-CAAAGAGCAGAGACTGCGTGCCCCAGATCTTGAGTACCTCTTTGAAAAGCCACGTTGAGC[T>A]GTGCTCCACGGCCTGGCATGGGGGTTCAGTCTGTGGATGGTAACTACTTATGATGGACGT-3'

ClinVar aggregate classification (germline): Uncertain significance (1 of 4 stars; one submission).

Conditions:
Hereditary pheochromocytoma and paraganglioma. Also called: Hereditary pheochromocytoma-paraganglioma; Hereditary Paraganglioma-Pheochromocytoma Syndromes; Hereditary paragangliomas and pheochromocytomas. Identifiers: Orphanet 29072, MedGen C4274332, MONDO:0017366.

Submission:

All of Us Research Program, National Institutes of Health
Classification: Uncertain significance for Hereditary pheochromocytoma and paraganglioma. Last evaluated: 2023-11-02. Review status: criteria provided, single submitter. Criteria: ACMG Guidelines, 2015. Collection method: clinical testing. Allele origin: germline. Inheritance: Autosomal dominant inheritance. Observed: 1 variant allele, 1 heterozygote.
Comment: This variant is located in the 3' untranslated region of the SDHAF2 gene. To our knowledge, functional studies have not been reported for this variant. This variant has not been reported in individuals affected with SDHAF2-related disorders in the literature. This variant has not been identified in the general population by the Genome Aggregation Database (gnomAD). The available evidence is insufficient to determine the role of this variant in disease conclusively. Therefore, this variant is classified as a Variant of Uncertain Significance.

This study involves interpretation of variants in research participants for the purpose of population health screening. Participant phenotype was not available at the time of variant classification. Additional details can be found in publication PMID: 35346344, PMCID: PMC8962531